The following is an entry in ClinVar:

NM_001128840.3(CACNA1D):c.1892+3A>G

Gene: CACNA1D (calcium voltage-gated channel subunit alpha1 D; plus strand). Cytogenetic location: 3p21.1.
Variant type: single nucleotide variant.
Coding change: c.1892+3A>G on transcript NM_001128840.3 (MANE Select); 3 bases into the intron after coding-DNA position 1892, A replaced by G.
Molecular consequence: intron variant.
Genome position (GRCh38, 1-based): chr3:53,723,662, A>G. VCF-style: chr3-53723662-A-G. GRCh37 (hg19) VCF-style: chr3-53757689-A-G.
Other names: c.1892+3A>G (NM_001128839.3); c.1952+3A>G (NM_000720.4, NM_000720.3).
Identifiers: ClinVar variation 1420764 (VCV001420764.9), dbSNP rs779597807, ClinGen allele CA2454079.
Genomic context (GRCh38, chr3:53,723,662, plus strand): 5'-CCCTGGGGATCTCTGTGTTTCGGTGTGTGCGCCTCTTAAGAATCTTCAAAGTGACCAGGT[A>G]AGGAAATGTGGGTCCCACTGCAAATGTTTTATGAACATGAGGCGGCAACCAGTCACATCC-3'

ClinVar aggregate classification (germline): Uncertain significance. Review status: criteria provided, multiple submitters, no conflicts (2 of 4 stars). 3 submissions from 3 submitters: Uncertain significance (2). 1 of the submissions does not count toward it. Last evaluated 2025-11-16.

Conditions:
CACNA1D-related disorder.

Allele frequency attached by ClinVar (database versions not stated): gnomAD exomes 0.00001 and 0.00003; gnomAD 0.00002; TOPMed 0.00002; ExAC 0.00003.
gnomAD v4.1: 17 of 1,612,986 alleles (0.0011%); highest among the groups gnomAD compares: Middle Eastern, 0.066%; no homozygotes.

Submissions (3):

Labcorp Genetics (formerly Invitae), Labcorp
Classification: Uncertain significance. Last evaluated: 2025-11-16. Review status: criteria provided, single submitter. Criteria: Invitae Variant Classification Sherloc (09022015). Collection method: clinical testing. Allele origin: germline.
Comment: This sequence change falls in intron 14 of the CACNA1D gene. It does not directly change the encoded amino acid sequence of the CACNA1D protein. It affects a nucleotide within the consensus splice site. This variant is present in population databases (rs779597807, gnomAD 0.04%). This variant has not been reported in the literature in individuals affected with CACNA1D-related conditions. ClinVar contains an entry for this variant (Variation ID: 1420764). Variants that disrupt the consensus splice site are a relatively common cause of aberrant splicing (PMID: 17576681, 9536098). Algorithms developed to predict the effect of sequence changes on RNA splicing suggest that this variant is not likely to affect RNA splicing. In summary, the available evidence is currently insufficient to determine the role of this variant in disease. Therefore, it has been classified as a Variant of Uncertain Significance.

Clinical Genomics Laboratory, Stanford Medicine
Classification: Uncertain significance. Last evaluated: 2022-10-27. Review status: criteria provided, single submitter. Criteria: ACMG Guidelines, 2015. Collection method: clinical testing. Allele origin: germline. Observed: 1 variant allele, 1 heterozygote.
Comment: The c.1952+3A>G variant in the CACNA1D gene has not been previously reported in association with disease. This variant has been identified in 8/19,952 East Asian chromosomes (9/282,868 chromosomes overall) by the Genome Aggregation Database. This variant is present in ClinVar (Accession: VCV001420764.8). This variant occurs in the 5’ donor splice site of intron 14. Computational splicing tools do not predict an impact to splicing; however, the accuracy of in silico algorithms is limited. These data were assessed using the ACMG/AMP variant interpretation guidelines. In summary, the significance of the c.1952+3A>G variant is uncertain. Additional information is needed to resolve the significance of this variant. [ACMG evidence codes used: BP4]

PreventionGenetics, part of Exact Sciences
Classification: Likely benign for CACNA1D-related condition. Last evaluated: 2020-10-15. Review status: no assertion criteria provided. Collection method: clinical testing. Allele origin: germline. Not counted in ClinVar's aggregate classification.
Comment: This variant is classified as likely benign based on ACMG/AMP sequence variant interpretation guidelines (Richards et al. 2015 PMID: 25741868, with internal and published modifications).

Literature cited by the submitters: PubMed 17576681 (cited by Labcorp Genetics (formerly Invitae), Labcorp); PubMed 9536098 (cited by Labcorp Genetics (formerly Invitae), Labcorp).